The following is an entry in ClinVar:

ClinVar aggregate classification (germline): Uncertain significance (1 of 4 stars; one submission).

Allele frequency attached by ClinVar (database versions not stated): TOPMed 0.00005; gnomAD 0.00003.
gnomAD v4.1: 29 of 1,551,330 alleles (0.0019%); highest among the groups gnomAD compares: Admixed American, 0.029%; no homozygotes.

Submission:

Labcorp Genetics (formerly Invitae), Labcorp
Classification: Uncertain significance. Last evaluated: 2023-08-04. Review status: criteria provided, single submitter. Criteria: Invitae Variant Classification Sherloc (09022015). Collection method: clinical testing. Allele origin: germline.
Comment: This variant has not been reported in the literature in individuals affected with CLIC5-related conditions. In summary, the available evidence is currently insufficient to determine the role of this variant in disease. Therefore, it has been classified as a Variant of Uncertain Significance. ClinVar contains an entry for this variant (Variation ID: 2175062). This variant is present in population databases (no rsID available, gnomAD 0.04%). This sequence change creates a premature translational stop signal (p.Gln75*) in the CLIC5 gene. It is expected to result in an absent or disrupted protein product. However, the current clinical and genetic evidence is not sufficient to establish whether loss-of-function variants in CLIC5 cause disease.

NC_000006.12:g.46080020G>A

Gene: CLIC5 (CLIC family member 5; minus strand). Cytogenetic location: 6p21.1.
Variant type: single nucleotide variant.
Molecular consequence: nonsense (on NM_001114086.2). On other transcripts: intron variant (1).
Genome position: GRCh38 VCF-style: chr6-46080020-G-A. GRCh37 (hg19) VCF-style: chr6-46047757-G-A.
Other names: c.223C>T, p.Gln75Ter (NM_001114086.2, NM_001370650.1); c.-55+49484C>T (NM_001370649.1); short protein forms Q75*.
Identifiers: ClinVar variation 2175062 (VCV002175062.3), dbSNP rs900611630, ClinGen allele CA138549333.